The following is an entry in ClinVar:

ClinVar aggregate classification (germline): Pathogenic (1 of 4 stars; one submission).

Allele frequency attached by ClinVar (database versions not stated): gnomAD exomes below 0.00001.

Submission:

Labcorp Genetics (formerly Invitae), Labcorp
Classification: Pathogenic. Last evaluated: 2024-10-17. Review status: criteria provided, single submitter. Criteria: Invitae Variant Classification Sherloc (09022015). Collection method: clinical testing. Allele origin: germline.
Comment: This sequence change affects a donor splice site in intron 2 of the RDH5 gene. It is expected to disrupt RNA splicing. Variants that disrupt the donor or acceptor splice site typically lead to a loss of protein function (PMID: 16199547), and loss-of-function variants in RDH5 are known to be pathogenic (PMID: 11675386, 22815624). This variant is present in population databases (no rsID available, gnomAD 0.006%). Disruption of this splice site has been observed in individual(s) with fundus albipunctatus (PMID: 21529959). In at least one individual the data is consistent with being in trans (on the opposite chromosome) from a pathogenic variant. ClinVar contains an entry for this variant (Variation ID: 2137376). Algorithms developed to predict the effect of sequence changes on RNA splicing suggest that this variant may disrupt the consensus splice site. For these reasons, this variant has been classified as Pathogenic.

Literature cited by the submitters: PubMed 16199547; PubMed 11675386; PubMed 22815624; PubMed 21529959.

NM_002905.5(RDH5):c.310+1G>A

Genes: BLOC1S1-RDH5 (BLOC1S1-RDH5 readthrough; plus strand), RDH5 (retinol dehydrogenase 5; plus strand). Cytogenetic location: 12q13.2.
Variant type: single nucleotide variant.
Coding change: c.310+1G>A on transcript NM_002905.5 (MANE Select); the canonical splice donor site of the intron after coding-DNA position 310, G replaced by A.
Molecular consequence: splice donor variant.
Genome position (GRCh38, 1-based): chr12:55,721,495, G>A. VCF-style: chr12-55721495-G-A. GRCh37 (hg19) VCF-style: chr12-56115279-G-A.
Other names: c.310+1G>A (NM_001199771.3).
Identifiers: ClinVar variation 2137376 (VCV002137376.4), dbSNP rs1298361085, ClinGen allele CA385200466.